The following is an entry in ClinVar:

NM_001164508.2(NEB):c.8693A>G (p.Tyr2898Cys)

Gene: NEB (nebulin; minus strand). Cytogenetic location: 2q23.3.
Variant type: single nucleotide variant.
Coding change: c.8693A>G on transcript NM_001164508.2 (MANE Select); coding-DNA position 8693, A replaced by G.
Protein change: p.Tyr2898Cys; replaces tyrosine 2898 with cysteine.
Molecular consequence: missense variant.
Genome position (GRCh38, 1-based): chr2:151,640,053, T>C on the plus strand (A>G on the coding strand, the complement: NEB is on the minus strand). VCF-style: chr2-151640053-T-C. GRCh37 (hg19) VCF-style: chr2-152496567-T-C.
Other names: c.8693A>G, p.Tyr2898Cys (NM_001164507.2, NM_001271208.2, NM_004543.5); short protein forms Y2898C.
Identifiers: ClinVar variation 2051661 (VCV002051661.3), dbSNP rs2552243524, ClinGen allele CA348809728.

ClinVar aggregate classification (germline): Uncertain significance (1 of 4 stars; one submission).

Conditions:
Nemaline myopathy 2 (NEM2). Also called: Nemaline myopathy 2, autosomal recessive. Identifiers: MedGen C1850569, MONDO:0009725, OMIM 256030.

Submission:

Labcorp Genetics (formerly Invitae), Labcorp
Classification: Uncertain significance for Nemaline myopathy 2. Last evaluated: 2022-06-26. Review status: criteria provided, single submitter. Criteria: Invitae Variant Classification Sherloc (09022015). Collection method: clinical testing. Allele origin: germline.
Comment: Algorithms developed to predict the effect of missense changes on protein structure and function are either unavailable or do not agree on the potential impact of this missense change (SIFT: "Deleterious"; PolyPhen-2: "Not Available"; Align-GVGD: "Class C0"). This sequence change replaces tyrosine, which is neutral and polar, with cysteine, which is neutral and slightly polar, at codon 2898 of the NEB protein (p.Tyr2898Cys). This variant is not present in population databases (gnomAD no frequency). This variant has not been reported in the literature in individuals affected with NEB-related conditions. In summary, the available evidence is currently insufficient to determine the role of this variant in disease. Therefore, it has been classified as a Variant of Uncertain Significance.